The following is an entry in ClinVar:

NM_000489.6(ATRX):c.3209A>C (p.Lys1070Thr)

Gene: ATRX (ATRX chromatin remodeler; minus strand). Cytogenetic location: Xq21.1.
Variant type: single nucleotide variant.
Coding change: c.3209A>C on transcript NM_000489.6 (MANE Select); coding-DNA position 3209, A replaced by C.
Protein change: p.Lys1070Thr; replaces lysine 1070 with threonine.
Molecular consequence: missense variant.
Genome position (GRCh38, 1-based): chrX:77,682,047, T>G on the plus strand (A>C on the coding strand, the complement: ATRX is on the minus strand). VCF-style: chrX-77682047-T-G. GRCh37 (hg19) VCF-style: chrX-76937539-T-G.
Other names: c.3095A>C, p.Lys1032Thr (NM_138270.5); short protein forms K1032T, K1070T.
Identifiers: ClinVar variation 2152668 (VCV002152668.1), dbSNP rs2148579165, ClinGen allele CA413707334.

ClinVar aggregate classification (germline): Uncertain significance (1 of 4 stars; one submission).

Conditions:
Alpha thalassemia-X-linked intellectual disability syndrome (ATRX). Also called: ALPHA-THALASSEMIA/MENTAL RETARDATION SYNDROME, X-LINKED; ATR, NONDELETION TYPE; ATR-X syndrome; Alpha thalassemia mental retardation syndrome, nondeletion type, X-linked; XLMR hypotonic face syndrome; X-linked alpha-thalassemia-mental retardation syndrome. Identifiers: Orphanet 847, MedGen C1845055, MONDO:0010519, OMIM 301040.

Allele frequency attached by ClinVar (database versions not stated): gnomAD exomes below 0.00001.
gnomAD v4.1: 2 of 1,211,173 alleles (0.00017%); highest among the groups gnomAD compares: Non-Finnish European, 0.00022%; no homozygotes.

Submission:

Labcorp Genetics (formerly Invitae), Labcorp
Classification: Uncertain significance for Alpha thalassemia-X-linked intellectual disability syndrome. Last evaluated: 2021-12-30. Review status: criteria provided, single submitter. Criteria: Invitae Variant Classification Sherloc (09022015). Collection method: clinical testing. Allele origin: germline.
Comment: This sequence change replaces lysine, which is basic and polar, with threonine, which is neutral and polar, at codon 1070 of the ATRX protein (p.Lys1070Thr). This variant is not present in population databases (gnomAD no frequency). This variant has not been reported in the literature in individuals affected with ATRX-related conditions. Advanced modeling of protein sequence and biophysical properties (such as structural, functional, and spatial information, amino acid conservation, physicochemical variation, residue mobility, and thermodynamic stability) performed at Invitae indicates that this missense variant is not expected to disrupt ATRX protein function. In summary, the available evidence is currently insufficient to determine the role of this variant in disease. Therefore, it has been classified as a Variant of Uncertain Significance.